The following is an entry in ClinVar:

NM_003626.5(PPFIA1):c.3488A>C (p.Asn1163Thr)

Genes: CTTN-DT (CTTN divergent transcript; minus strand), PPFIA1 (PPFI scaffold protein A1; plus strand). Cytogenetic location: 11q13.3.
Variant type: single nucleotide variant.
Coding change: c.3488A>C on transcript NM_003626.5 (MANE Select); coding-DNA position 3488, A replaced by C.
Protein change: p.Asn1163Thr; replaces asparagine 1163 with threonine.
Molecular consequence: missense variant. On other transcripts: non-coding transcript variant (1).
Genome position (GRCh38, 1-based): chr11:70,378,133, A>C. VCF-style: chr11-70378133-A-C. GRCh37 (hg19) VCF-style: chr11-70224239-A-C.
Other names: c.3683A>C, p.Asn1228Thr (NM_001378006.1); c.3488A>C, p.Asn1163Thr (NM_177423.3); short protein forms N1228T, N1163T.
Identifiers: ClinVar variation 4997313 (VCV004997313.1).

ClinVar aggregate classification (germline): Uncertain significance (1 of 4 stars; one submission).

Conditions:
PPFIA1-related disorder. Also called: PPFIA1-related condition.

Submission:

PreventionGenetics, part of Exact Sciences
Classification: Uncertain significance for PPFIA1-related condition. Last evaluated: 2024-11-02. Review status: criteria provided, single submitter. Criteria: ACMG Guidelines, 2015. Collection method: clinical testing. Allele origin: germline.
Comment: The PPFIA1 c.3488A>C variant is predicted to result in the amino acid substitution p.Asn1163Thr. To our knowledge, this variant has not been reported in the literature or in a large population database (gnomAD), indicating this variant is rare. At this time, the clinical significance of this variant is uncertain due to the absence of conclusive functional and genetic evidence.